The following is an entry in ClinVar:

NM_001098531.4(RAPGEF3):c.573C>T (p.Pro191=)

Gene: RAPGEF3 (Rap guanine nucleotide exchange factor 3; minus strand). Cytogenetic location: 12q13.11.
Variant type: single nucleotide variant.
Coding change: c.573C>T on transcript NM_001098531.4 (MANE Select); coding-DNA position 573, C replaced by T.
Protein change: p.Pro191=; no amino-acid change (proline 191 retained).
Molecular consequence: synonymous variant.
Genome position (GRCh38, 1-based): chr12:47,751,146, G>A on the plus strand (C>T on the coding strand, the complement: RAPGEF3 is on the minus strand). VCF-style: chr12-47751146-G-A. GRCh37 (hg19) VCF-style: chr12-48144929-G-A.
Other names: c.447C>T, p.Pro149= (NM_001098532.2, NM_006105.5).
Identifiers: ClinVar variation 2642920 (VCV002642920.24), dbSNP rs1357802032, ClinGen allele CA479437217.

ClinVar aggregate classification (germline): Likely benign (1 of 4 stars; one submission).

Allele frequency attached by ClinVar (database versions not stated): gnomAD 0.00002; TOPMed 0.00002; gnomAD exomes 0.00004.
gnomAD v4.1: 58 of 1,558,354 alleles (0.0037%); highest among the groups gnomAD compares: Non-Finnish European, 0.0049%; no homozygotes.

Submission:

CeGaT Center for Human Genetics Tuebingen
Classification: Likely benign. Last evaluated: 2022-12-01. Review status: criteria provided, single submitter. Criteria: CeGaT Center For Human Genetics Tuebingen Variant Classification Criteria Version 2. Collection method: clinical testing. Allele origin: germline. Affected: yes. Observed: 1 variant allele.
Comment: RAPGEF3: BP4, BP7